The following is an entry in ClinVar:

NM_005557.4(KRT16):c.1253G>A (p.Arg418His)

Gene: KRT16 (keratin 16; minus strand). Cytogenetic location: 17q21.2.
Variant type: single nucleotide variant.
Coding change: c.1253G>A on transcript NM_005557.4 (MANE Select); coding-DNA position 1253, G replaced by A.
Protein change: p.Arg418His; replaces arginine 418 with histidine.
Molecular consequence: missense variant.
Genome position (GRCh38, 1-based): chr17:41,610,358, C>T on the plus strand (G>A on the coding strand, the complement: KRT16 is on the minus strand). VCF-style: chr17-41610358-C-T. GRCh37 (hg19) VCF-style: chr17-39766610-C-T.
Other names: short protein forms R418H.
Identifiers: ClinVar variation 4691799 (VCV004691799.1).

ClinVar aggregate classification (germline): Uncertain significance (1 of 4 stars; one submission).

gnomAD v4.1: 15 of 1,612,588 alleles (0.00093%); highest among the groups gnomAD compares: Admixed American, 0.005%; no homozygotes.

Submission:

Labcorp Genetics (formerly Invitae), Labcorp
Classification: Uncertain significance. Last evaluated: 2025-08-20. Review status: criteria provided, single submitter. Criteria: Invitae Variant Classification Sherloc (09022015). Collection method: clinical testing. Allele origin: germline.
Comment: This sequence change replaces arginine, which is basic and polar, with histidine, which is basic and polar, at codon 418 of the KRT16 protein (p.Arg418His). This variant is present in population databases (rs777901534, gnomAD 0.008%). This variant has not been reported in the literature in individuals affected with KRT16-related conditions. Invitae Evidence Modeling of protein sequence and biophysical properties (such as structural, functional, and spatial information, amino acid conservation, physicochemical variation, residue mobility, and thermodynamic stability) has been performed for this missense variant. However, the output from this modeling did not meet the statistical confidence thresholds required to predict the impact of this variant on KRT16 protein function. In summary, the available evidence is currently insufficient to determine the role of this variant in disease. Therefore, it has been classified as a Variant of Uncertain Significance.